The following is an entry in ClinVar:

NM_032043.3(BRIP1):c.1048T>C (p.Cys350Arg)

Gene: BRIP1 (BRCA1 interacting DNA helicase 1; minus strand). Cytogenetic location: 17q23.2.
Variant type: single nucleotide variant.
Coding change: c.1048T>C on transcript NM_032043.3 (MANE Select); coding-DNA position 1048, T replaced by C.
Protein change: p.Cys350Arg; replaces cysteine 350 with arginine.
Molecular consequence: missense variant.
Genome position (GRCh38, 1-based): chr17:61,801,345, A>G on the plus strand (T>C on the coding strand, the complement: BRIP1 is on the minus strand). VCF-style: chr17-61801345-A-G. GRCh37 (hg19) VCF-style: chr17-59878706-A-G.
Other names: short protein forms C350R.
Identifiers: ClinVar variation 229753 (VCV000229753.24), dbSNP rs876658173, ClinGen allele CA10580846.

ClinVar aggregate classification (germline): Uncertain significance. Review status: criteria provided, multiple submitters, no conflicts (2 of 4 stars). 5 submissions from 5 submitters: Uncertain significance (5). Last evaluated 2025-09-11.

Conditions:
Hereditary cancer-predisposing syndrome. Also called: Hereditary Cancer Syndrome; Neoplastic Syndromes, Hereditary; Tumor predisposition; Hereditary neoplastic syndrome. Identifiers: Orphanet 140162, MedGen C0027672, MeSH D009386, MONDO:0015356.
Fanconi anemia complementation group J. Also called: BRIP1-Related Fanconi Anemia. Identifiers: Orphanet 84, MedGen C1836860, MONDO:0012187, OMIM 609054.
Familial cancer of breast. Also called: Hereditary breast cancer; hereditary breast carcinoma; BREAST CANCER, FAMILIAL. Identifiers: Orphanet 227535, MedGen C0346153, MONDO:0016419, OMIM 114480. Disease mechanism: loss of function.

Allele frequency attached by ClinVar (database versions not stated): TOPMed below 0.00001; gnomAD exomes 0.00001.
gnomAD v4.1: 10 of 1,614,070 alleles (0.00062%); highest among the groups gnomAD compares: Non-Finnish European, 0.00085%; no homozygotes.

Submissions (5):

Labcorp Genetics (formerly Invitae), Labcorp
Classification: Uncertain significance for Familial cancer of breast; Fanconi anemia complementation group J. Last evaluated: 2025-09-11. Review status: criteria provided, single submitter. Criteria: Invitae Variant Classification Sherloc (09022015). Collection method: clinical testing. Allele origin: germline.
Comment: This sequence change replaces cysteine, which is neutral and slightly polar, with arginine, which is basic and polar, at codon 350 of the BRIP1 protein (p.Cys350Arg). This variant is not present in population databases (gnomAD no frequency). This variant has not been reported in the literature in individuals affected with BRIP1-related conditions. ClinVar contains an entry for this variant (Variation ID: 229753). Invitae Evidence Modeling of protein sequence and biophysical properties (such as structural, functional, and spatial information, amino acid conservation, physicochemical variation, residue mobility, and thermodynamic stability) indicates that this missense variant is expected to disrupt BRIP1 protein function with a positive predictive value of 95%. In summary, the available evidence is currently insufficient to determine the role of this variant in disease. Therefore, it has been classified as a Variant of Uncertain Significance.

Ambry Genetics
Classification: Uncertain significance for Hereditary cancer-predisposing syndrome. Last evaluated: 2024-02-02. Review status: criteria provided, single submitter. Criteria: Ambry Variant Classification Scheme 2023. Collection method: clinical testing. Allele origin: germline.
Comment: The p.C350R variant (also known as c.1048T>C), located in coding exon 7 of the BRIP1 gene, results from a T to C substitution at nucleotide position 1048. The cysteine at codon 350 is replaced by arginine, an amino acid with highly dissimilar properties. This amino acid position is highly conserved in available vertebrate species. In addition, this alteration is predicted to be deleterious by in silico analysis. Since supporting evidence is limited at this time, the clinical significance of this alteration remains unclear.

Color Diagnostics, LLC DBA Color Health
Classification: Uncertain significance for Hereditary cancer-predisposing syndrome. Last evaluated: 2023-12-05. Review status: criteria provided, single submitter. Criteria: ACMG Guidelines, 2015. Collection method: clinical testing. Allele origin: germline.
Comment: This missense variant replaces cysteine with arginine at codon 350 of the BRIP1 protein. Computational prediction suggests that this variant may have deleterious impact on protein structure and function (internally defined REVEL score threshold >= 0.7, PMID: 27666373). To our knowledge, functional studies have not been reported for this variant. This variant has not been reported in individuals affected with BRIP1-related disorders in the literature. This variant has not been identified in the general population by the Genome Aggregation Database (gnomAD). The available evidence is insufficient to determine the role of this variant in disease conclusively. Therefore, this variant is classified as a Variant of Uncertain Significance.

Baylor Genetics
Classification: Uncertain significance for Familial cancer of breast. Last evaluated: 2023-07-28. Review status: criteria provided, single submitter. Criteria: ACMG Guidelines, 2015. Collection method: clinical testing. Allele origin: unknown.

GeneDx
Classification: Uncertain significance. Last evaluated: 2023-05-23. Review status: criteria provided, single submitter. Criteria: GeneDx Variant Classification Process June 2021. Collection method: clinical testing. Allele origin: germline. Affected: yes.
Comment: Not observed at significant frequency in large population cohorts (gnomAD); In silico analysis supports that this missense variant has a deleterious effect on protein structure/function; Observed in 0/3236 cases and in 1/3431 unaffected controls in an ovarian cancer study (Ramus et al., 2015); This variant is associated with the following publications: (PMID: 26315354)